The following is an entry in ClinVar:

NM_017755.6(NSUN2):c.1020del (p.Gly341fs)

Gene: NSUN2 (NOP2/Sun RNA methyltransferase 2; minus strand). Cytogenetic location: 5p15.31.
Variant type: Deletion.
Coding change: c.1020del on transcript NM_017755.6 (MANE Select); coding-DNA position 1020, one base deleted (A; older notation c.1020delA).
Protein change: p.Gly341fs; shifts the reading frame from glycine 341.
Molecular consequence: frameshift variant. On other transcripts: non-coding transcript variant (1).
Genome position (GRCh38, 1-based): chr5:6,616,728, T deleted on the plus strand (A on the coding strand, the reverse complement: NSUN2 is on the minus strand); the first of 2 consecutive T bases (chr5:6,616,728-6,616,729); deleting either gives the same sequence. VCF-style (leftmost placement, unchanged base first): chr5-6616727-CT-C. GRCh37 (hg19) VCF-style: chr5-6616840-CT-C.
Other names: c.915del, p.Gly306fs (NM_001193455.2); short protein forms G341fs, G306fs.
Identifiers: ClinVar variation 828097 (VCV000828097.6), dbSNP rs1579368865, ClinGen allele CA658820839.
Genomic context (GRCh38, chr5:6,616,727, plus strand): 5'-ACCATACACATATGAAAAGCCCCCTATGCTGTTAATAAAAGATCCATCAAGCGTGCTTAC[CT>C]TCACTTTTTTCCAGTAAAGATGCTATGACTGCTTCATCCTCAATAGGGTTTAGTGAACAC-3'

ClinVar aggregate classification (germline): Pathogenic. Review status: criteria provided, multiple submitters, no conflicts (2 of 4 stars). 5 submissions from 5 submitters: Pathogenic (4). 1 of the submissions does not count toward it. Last evaluated 2025-09-10.

Conditions:
Intellectual developmental disorder, autosomal recessive 5. Also called: Intellectual disability, autosomal recessive 5. Identifiers: Orphanet 88616, MedGen C1970199, MONDO:0012613, OMIM 611091.
Phenylketonuria (PKU). Also called: Phenylketonurias; Phenylketonuria (PKU); OLIGOPHRENIA PHENYLPYRUVICA; FOLLING DISEASE. Identifiers: Orphanet 716, MedGen C0031485, MONDO:0009861, OMIM 261600. Disease mechanism: loss of function.
Intellectual disability. Also called: Intellectual developmental disorder; Intellectual functioning disability; intellectual disabilities. Identifiers: MedGen C3714756, MeSH D008607, MONDO:0001071, HP:0001249.

Submissions (5):

Genomic Medicine Center of Excellence, King Faisal Specialist Hospital and Research Centre
Classification: Pathogenic for Phenylketonuria. Last evaluated: 2025-09-10. Review status: criteria provided, single submitter. Criteria: ACMG Guidelines, 2015. Collection method: clinical testing. Allele origin: germline.

Dubai Health Genomic Medicine Center, Dubai Health
Classification: Pathogenic for Intellectual developmental disorder. Last evaluated: 2024-10-04. Review status: criteria provided, single submitter. Criteria: ACMG Guidelines, 2015. Collection method: research. Allele origin: germline. Affected: yes.
Comment: PVS1,PS3,PM2

GeneDx
Classification: Pathogenic. Last evaluated: 2022-04-07. Review status: criteria provided, single submitter. Criteria: GeneDx Variant Classification Process June 2021. Collection method: clinical testing. Allele origin: germline. Affected: yes.
Comment: Frameshift variant predicted to result in protein truncation or nonsense mediated decay in a gene for which loss-of-function is a known mechanism of disease; Functional studies demonstrate an approximate 43% reduction in mRNA level compared to controls and suggest the mutant transcript results in an abnormal protein product that may partially escape nonsense-mediated decay (Komara et al., 2015); Not observed in large population cohorts (gnomAD); This variant is associated with the following publications: (PMID: 26055038, 30724636, 32860008, 24102521)

CENTOGENE GmbH and LLC - Guiding Precision Medicine
Classification: Pathogenic for Intellectual developmental disorder, autosomal recessive 5. Review status: criteria provided, single submitter. Criteria: ACMG Guidelines, 2015. Collection method: clinical testing. Allele origin: germline. Affected: yes.

Biochemical Molecular Genetic Laboratory, King Abdulaziz Medical City
Classification: Pathogenic for Intellectual developmental disorder, autosomal recessive 5. Last evaluated: 2020-02-05. Review status: no assertion criteria provided. Collection method: clinical testing. Allele origin: germline. Affected: yes. Not counted in ClinVar's aggregate classification.

Literature cited by the submitters: PubMed 32860008 (cited by CENTOGENE GmbH and LLC - Guiding Precision Medicine).